The following is an entry in ClinVar:

NM_005502.4(ABCA1):c.982AAC[1] (p.Asn329del)

Gene: ABCA1 (ATP binding cassette subfamily A member 1; minus strand). Cytogenetic location: 9q31.1.
Variant type: Microsatellite.
Coding change: c.982AAC[1] on transcript NM_005502.4 (MANE Select); one copy of the 3-base unit AAC starting at c.982; the reference has two copies in a row; one copy, 3 bases deleted.
Protein change: p.Asn329del; deletes asparagine 329.
Genome position (GRCh38, 1-based): chr9:104,840,346-104,840,348, GTT deleted on the plus strand (AAC on the coding strand, the reverse complement: ABCA1 is on the minus strand); deleting any 3 consecutive bases within chr9:104,840,346-104,840,353 gives the same sequence; the position shown is the placement nearest the transcript's 3' end. VCF-style (leftmost placement, unchanged base first): chr9-104840345-AGTT-A. GRCh37 (hg19) VCF-style: chr9-107602626-AGTT-A.
Other names: short protein forms N329del.
Identifiers: ClinVar variation 4843945 (VCV004843945.1).

ClinVar aggregate classification (germline): Uncertain significance (1 of 4 stars; one submission).

Conditions:
Cardiovascular phenotype. Identifiers: MedGen CN230736.

Submission:

Ambry Genetics
Classification: Uncertain significance for Cardiovascular phenotype. Last evaluated: 2025-12-29. Review status: criteria provided, single submitter. Criteria: Ambry Variant Classification Scheme 2023. Collection method: clinical testing. Allele origin: germline.
Comment: The c.985_987delAAC variant (also known as p.N329del) is located in coding exon 8 of the ABCA1 gene. This variant results from an in-frame AAC deletion at nucleotide positions 985 to 987. This results in the in-frame deletion of an asparagine at codon 329. This amino acid position is highly conserved in available vertebrate species. In addition, this variant is predicted to be deleterious by in silico analysis (Choi Y et al. PLoS ONE. 2012; 7(10):e46688). Based on the available evidence, the clinical significance of this variant remains unclear.